The following is an entry in ClinVar:

ClinVar aggregate classification (germline): Likely pathogenic (1 of 4 stars; one submission).

Conditions:
Intellectual developmental disorder, autosomal dominant 50, with behavioral abnormalities. Also called: MENTAL RETARDATION, AUTOSOMAL DOMINANT 50; Intellectual disability, autosomal dominant 50. Identifiers: MedGen C4540470, MONDO:0030916, OMIM 617787.

Submission:

3billion
Classification: Likely pathogenic for Intellectual developmental disorder, autosomal dominant 50, with behavioral abnormalities. Last evaluated: 2021-10-02. Review status: criteria provided, single submitter. Criteria: ACMG Guidelines, 2015. Collection method: clinical testing. Allele origin: unknown. Affected: yes. Observed: 1 heterozygote.
Comment: Stop-gained (nonsense): predicted to result in a loss or disruption of normal protein function through nonsense-mediated decay (NMD) or protein truncation. Multiple pathogenic variants are reported downstream of the variant (PVS1_VS). It is not observed in the gnomAD v2.1.1 dataset (PM2). Therefore, this variant is classified as likely pathogenic according to the recommendation of ACMG/AMP guideline.

NM_057175.5(NAA15):c.1118T>A (p.Leu373Ter)

Gene: NAA15 (N-alpha-acetyltransferase 15, NatA auxiliary subunit; plus strand). Cytogenetic location: 4q31.1.
Variant type: single nucleotide variant.
Coding change: c.1118T>A on transcript NM_057175.5 (MANE Select); coding-DNA position 1118, T replaced by A.
Protein change: p.Leu373Ter; replaces leucine 373 with a stop codon.
Molecular consequence: nonsense.
Genome position (GRCh38, 1-based): chr4:139,357,416, T>A. VCF-style: chr4-139357416-T-A. GRCh37 (hg19) VCF-style: chr4-140278570-T-A.
Other names: short protein forms L373*.
Identifiers: ClinVar variation 1320231 (VCV001320231.1), dbSNP rs2110948948, ClinGen allele CA358265727.